The following is an entry in ClinVar:

NM_004369.4(COL6A3):c.7357G>A (p.Glu2453Lys)

Gene: COL6A3 (collagen type VI alpha 3 chain; minus strand). Cytogenetic location: 2q37.3.
Variant type: single nucleotide variant.
Coding change: c.7357G>A on transcript NM_004369.4 (MANE Select); coding-DNA position 7357, G replaced by A.
Protein change: p.Glu2453Lys; replaces glutamic acid 2453 with lysine.
Molecular consequence: missense variant.
Genome position (GRCh38, 1-based): chr2:237,344,661, C>T on the plus strand (G>A on the coding strand, the complement: COL6A3 is on the minus strand). VCF-style: chr2-237344661-C-T. GRCh37 (hg19) VCF-style: chr2-238253304-C-T.
Other names: c.5536G>A, p.Glu1846Lys (NM_057166.5); c.6739G>A, p.Glu2247Lys (NM_057167.4); short protein forms E2453K, E1846K, E2247K.
Identifiers: ClinVar variation 290158 (VCV000290158.13), dbSNP rs886044364, ClinGen allele CA10606669.

ClinVar aggregate classification (germline): Uncertain significance. Review status: criteria provided, multiple submitters, no conflicts (2 of 4 stars). 2 submissions from 2 submitters: Uncertain significance (2). Last evaluated 2024-10-09.

Conditions:
Bethlem myopathy 1A. Also called: Bethlem Muscular Dystrophy; MYOPATHY, BENIGN CONGENITAL, WITH CONTRACTURES; Bethlem myopathy 1. Identifiers: Orphanet 610, MedGen CN029274, MONDO:0024530, OMIM 158810.

Allele frequency attached by ClinVar (database versions not stated): gnomAD exomes below 0.00001.
gnomAD v4.1: 6 of 1,613,270 alleles (0.00037%); highest among the groups gnomAD compares: Non-Finnish European, 0.00051%; no homozygotes.

Submissions (2):

Labcorp Genetics (formerly Invitae), Labcorp
Classification: Uncertain significance for Bethlem myopathy 1A. Last evaluated: 2024-10-09. Review status: criteria provided, single submitter. Criteria: Invitae Variant Classification Sherloc (09022015). Collection method: clinical testing. Allele origin: germline.
Comment: This sequence change replaces glutamic acid, which is acidic and polar, with lysine, which is basic and polar, at codon 2453 of the COL6A3 protein (p.Glu2453Lys). This variant is not present in population databases (gnomAD no frequency). This missense change has been observed in individual(s) with Bethlem myopathy (PMID: 17886299). ClinVar contains an entry for this variant (Variation ID: 290158). Invitae Evidence Modeling of protein sequence and biophysical properties (such as structural, functional, and spatial information, amino acid conservation, physicochemical variation, residue mobility, and thermodynamic stability) indicates that this missense variant is not expected to disrupt COL6A3 protein function with a negative predictive value of 80%. In summary, the available evidence is currently insufficient to determine the role of this variant in disease. Therefore, it has been classified as a Variant of Uncertain Significance.

Eurofins Ntd Llc (ga)
Classification: Uncertain significance. Last evaluated: 2016-08-08. Review status: criteria provided, single submitter. Criteria: EGL Classification Definitions 2015. Collection method: clinical testing. Allele origin: germline. Observed: 2 variant alleles, 2 heterozygotes.

Literature cited by the submitters: PubMed 17886299 (cited by Labcorp Genetics (formerly Invitae), Labcorp).